The following is an entry in ClinVar:

ClinVar aggregate classification (germline): Uncertain significance (1 of 4 stars; one submission).

Allele frequency attached by ClinVar (database versions not stated): ExAC 0.00001.

Submission:

Labcorp Genetics (formerly Invitae), Labcorp
Classification: Uncertain significance. Last evaluated: 2023-04-09. Review status: criteria provided, single submitter. Criteria: Invitae Variant Classification Sherloc (09022015). Collection method: clinical testing. Allele origin: germline.
Comment: An algorithm developed to predict the effect of missense changes on protein structure and function (PolyPhen-2) suggests that this variant is likely to be disruptive. ClinVar contains an entry for this variant (Variation ID: 1976678). This variant has not been reported in the literature in individuals affected with RELA-related conditions. This variant is present in population databases (rs769429371, gnomAD 0.0009%). This sequence change replaces glutamine, which is neutral and polar, with glutamic acid, which is acidic and polar, at codon 475 of the RELA protein (p.Gln475Glu). In summary, the available evidence is currently insufficient to determine the role of this variant in disease. Therefore, it has been classified as a Variant of Uncertain Significance.

NM_021975.4(RELA):c.1423C>G (p.Gln475Glu)

Gene: RELA (RELA proto-oncogene, NF-kB subunit; minus strand). Cytogenetic location: 11q13.1.
Variant type: single nucleotide variant.
Coding change: c.1423C>G on transcript NM_021975.4 (MANE Select); coding-DNA position 1423, C replaced by G.
Protein change: p.Gln475Glu; replaces glutamine 475 with glutamic acid.
Molecular consequence: missense variant. On other transcripts: intron variant (1).
Genome position (GRCh38, 1-based): chr11:65,654,611, G>C on the plus strand (C>G on the coding strand, the complement: RELA is on the minus strand). VCF-style: chr11-65654611-G-C. GRCh37 (hg19) VCF-style: chr11-65422082-G-C.
Other names: c.1414C>G, p.Gln472Glu (NM_001145138.2); c.1216C>G, p.Gln406Glu (NM_001243984.2); c.1456C>G, p.Gln486Glu (NM_001404657.1); c.1396C>G, p.Gln466Glu (NM_001404658.1); c.1210C>G, p.Gln404Glu (NM_001404659.1); c.1105C>G, p.Gln369Glu (NM_001404660.1); c.1042C>G, p.Gln348Glu (NM_001404661.1); c.1330C>G, p.Gln444Glu (NM_001404662.1, NM_001404663.1); and 1 more; short protein forms Q348E, Q369E, Q486E, Q404E, Q475E, Q466E, Q406E, Q444E.
Identifiers: ClinVar variation 1976678 (VCV001976678.5), dbSNP rs769429371, ClinGen allele CA6106597.